The following is an entry in ClinVar:

ClinVar aggregate classification (germline): Uncertain significance (1 of 4 stars; one submission).

Conditions:
Myofibrillar myopathy 4. Also called: Zaspopathy (type). Identifiers: Orphanet 98912, MedGen C4721886, MONDO:0012277, OMIM 609452.

Allele frequency attached by ClinVar (database versions not stated): TOPMed 0.00001.
gnomAD v4.1: 1 of 1,613,276 alleles (0.000062%); no homozygotes.

Submission:

Labcorp Genetics (formerly Invitae), Labcorp
Classification: Uncertain significance for Myofibrillar myopathy 4. Last evaluated: 2021-10-20. Review status: criteria provided, single submitter. Criteria: Invitae Variant Classification Sherloc (09022015). Collection method: clinical testing. Allele origin: germline.
Comment: In summary, the available evidence is currently insufficient to determine the role of this variant in disease. Therefore, it has been classified as a Variant of Uncertain Significance. Algorithms developed to predict the effect of missense changes on protein structure and function are either unavailable or do not agree on the potential impact of this missense change (SIFT: "Deleterious"; PolyPhen-2: "Probably Damaging"; Align-GVGD: "Class C0"). This variant has not been reported in the literature in individuals affected with LDB3-related conditions. This variant is not present in population databases (ExAC no frequency). This sequence change replaces glycine with aspartic acid at codon 20 of the LDB3 protein (p.Gly20Asp). The glycine residue is moderately conserved and there is a moderate physicochemical difference between glycine and aspartic acid.

NM_007078.3(LDB3):c.59G>A (p.Gly20Asp)

Gene: LDB3 (LIM domain binding 3; plus strand). Cytogenetic location: 10q23.2.
Variant type: single nucleotide variant.
Coding change: c.59G>A on transcript NM_007078.3 (MANE Select); coding-DNA position 59, G replaced by A.
Protein change: p.Gly20Asp; replaces glycine 20 with aspartic acid.
Molecular consequence: missense variant.
Genome position (GRCh38, 1-based): chr10:86,668,750, G>A. VCF-style: chr10-86668750-G-A. GRCh37 (hg19) VCF-style: chr10-88428507-G-A.
Other names: c.59G>A, p.Gly20Asp (NM_001080114.2, NM_001080115.2, NM_001080116.1 and 8 more transcripts); short protein forms G20D.
Identifiers: ClinVar variation 1421904 (VCV001421904.6), dbSNP rs1844291597, ClinGen allele CA377448772.